The following is an entry in ClinVar:

ClinVar aggregate classification (germline): Uncertain significance. Review status: criteria provided, multiple submitters, no conflicts (2 of 4 stars). 2 submissions from 2 submitters: Uncertain significance (2). Last evaluated 2024-09-24.

Conditions:
Inborn genetic diseases. Identifiers: MedGen C0950123, MeSH D030342.
Vici syndrome (VICIS). Identifiers: Orphanet 1493, MedGen C1855772, MONDO:0009452, OMIM 242840.

Allele frequency attached by ClinVar (database versions not stated): gnomAD exomes 0.00003 and 0.00004; TOPMed 0.00003; ExAC 0.00004; gnomAD 0.00004; ESP Exome Variant Server 0.00008.
gnomAD v4.1: 42 of 1,604,398 alleles (0.0026%); highest among the groups gnomAD compares: Non-Finnish European, 0.0033%; no homozygotes.

Submissions (2):

Labcorp Genetics (formerly Invitae), Labcorp
Classification: Uncertain significance for Vici syndrome. Last evaluated: 2024-09-24. Review status: criteria provided, single submitter. Criteria: Invitae Variant Classification Sherloc (09022015). Collection method: clinical testing. Allele origin: germline.
Comment: This sequence change falls in intron 35 of the EPG5 gene. It does not directly change the encoded amino acid sequence of the EPG5 protein. It affects a nucleotide within the consensus splice site. This variant is present in population databases (rs200936655, gnomAD 0.01%). This variant has not been reported in the literature in individuals affected with EPG5-related conditions. ClinVar contains an entry for this variant (Variation ID: 1365080). Variants that disrupt the consensus splice site are a relatively common cause of aberrant splicing (PMID: 17576681, 9536098). Algorithms developed to predict the effect of sequence changes on RNA splicing suggest that this variant is not likely to affect RNA splicing. In summary, the available evidence is currently insufficient to determine the role of this variant in disease. Therefore, it has been classified as a Variant of Uncertain Significance.

Ambry Genetics
Classification: Uncertain significance for Inborn genetic diseases. Last evaluated: 2021-04-15. Review status: criteria provided, single submitter. Criteria: Ambry Variant Classification Scheme 2023. Collection method: clinical testing. Allele origin: germline.
Comment: The c.6049+4G>A intronic alteration consists of a G to A substitution 4 nucleotides after exon 35 (coding exon 35) of the EPG5 gene. Based on insufficient or conflicting evidence, the clinical significance of this alteration remains unclear.

Literature cited by the submitters: PubMed 17576681 (cited by Labcorp Genetics (formerly Invitae), Labcorp); PubMed 9536098 (cited by Labcorp Genetics (formerly Invitae), Labcorp).

NM_020964.3(EPG5):c.6049+4G>A

Gene: EPG5 (ectopic P-granules 5 autophagy tethering factor; minus strand). Cytogenetic location: 18q12.3.
Variant type: single nucleotide variant.
Coding change: c.6049+4G>A on transcript NM_020964.3 (MANE Select); 4 bases into the intron after coding-DNA position 6049, G replaced by A.
Molecular consequence: intron variant.
Genome position (GRCh38, 1-based): chr18:45,876,232, C>T on the plus strand (G>A on the coding strand, the complement: EPG5 is on the minus strand). VCF-style: chr18-45876232-C-T. GRCh37 (hg19) VCF-style: chr18-43456197-C-T.
Other names: c.6049+4G>A (NM_020964.2).
Identifiers: ClinVar variation 1365080 (VCV001365080.6), dbSNP rs200936655, ClinGen allele CA8948404.